The following is an entry in ClinVar:

ClinVar aggregate classification (germline): Benign. Review status: criteria provided, single submitter (1 of 4 stars). 2 submissions from 2 submitters: Benign (1). 1 of the submissions does not count toward it. Last evaluated 2026-01-28.

Conditions:
HPS5-related disorder. Also called: HPS5-related condition.

Allele frequency attached by ClinVar (database versions not stated): gnomAD 0.00001 and 0.00019; TOPMed 0.00002; gnomAD exomes 0.00031 and 0.00062; ExAC 0.00074; 1000 Genomes Project 0.00080; 1000 Genomes Project 30x 0.00109.
gnomAD v4.1: 473 of 1,588,972 alleles (0.03%); highest among the groups gnomAD compares: South Asian, 0.49%; 7 homozygotes.

Submissions (2):

Labcorp Genetics (formerly Invitae), Labcorp
Classification: Benign. Last evaluated: 2026-01-28. Review status: criteria provided, single submitter. Criteria: Invitae Variant Classification Sherloc (09022015). Collection method: clinical testing. Allele origin: germline.

PreventionGenetics, part of Exact Sciences
Classification: Likely benign for HPS5-related condition. Last evaluated: 2021-04-23. Review status: no assertion criteria provided. Collection method: clinical testing. Allele origin: germline. Not counted in ClinVar's aggregate classification.
Comment: This variant is classified as likely benign based on ACMG/AMP sequence variant interpretation guidelines (Richards et al. 2015 PMID: 25741868, with internal and published modifications).

NM_181507.2(HPS5):c.958C>G (p.Gln320Glu)

Gene: HPS5 (HPS5 biogenesis of lysosomal organelles complex 2 subunit 2; minus strand). Cytogenetic location: 11p15.1.
Variant type: single nucleotide variant.
Coding change: c.958C>G on transcript NM_181507.2 (MANE Select); coding-DNA position 958, C replaced by G.
Protein change: p.Gln320Glu; replaces glutamine 320 with glutamic acid.
Molecular consequence: missense variant.
Genome position (GRCh38, 1-based): chr11:18,300,855, G>C on the plus strand (C>G on the coding strand, the complement: HPS5 is on the minus strand). VCF-style: chr11-18300855-G-C. GRCh37 (hg19) VCF-style: chr11-18322402-G-C.
Other names: c.616C>G, p.Gln206Glu (NM_007216.4, NM_181508.2); short protein forms Q206E, Q320E.
Identifiers: ClinVar variation 1600963 (VCV001600963.10), dbSNP rs537363272, ClinGen allele CA5910276.